The following is an entry in ClinVar:

NM_001999.4(FBN2):c.5074+5G>A

Gene: FBN2 (fibrillin 2; minus strand). Cytogenetic location: 5q23.3.
Variant type: single nucleotide variant.
Coding change: c.5074+5G>A on transcript NM_001999.4 (MANE Select); 5 bases into the intron after coding-DNA position 5074, G replaced by A.
Molecular consequence: intron variant.
Genome position (GRCh38, 1-based): chr5:128,311,295, C>T on the plus strand (G>A on the coding strand, the complement: FBN2 is on the minus strand). VCF-style: chr5-128311295-C-T. GRCh37 (hg19) VCF-style: chr5-127646987-C-T.
Identifiers: ClinVar variation 1015056 (VCV001015056.7), dbSNP rs374651068, ClinGen allele CA3394803.

ClinVar aggregate classification (germline): Uncertain significance (1 of 4 stars; one submission).

Conditions:
Congenital contractural arachnodactyly (CCA). Also called: BEALS SYNDROME; Beals-Hecht syndrome; Arthrogryposis, distal, type 9. Identifiers: Orphanet 115, MedGen C0220668, MONDO:0007363, OMIM 121050.

Allele frequency attached by ClinVar (database versions not stated): gnomAD exomes 0.00002 and 0.00001; ESP Exome Variant Server 0.00008; ExAC 0.00001; gnomAD 0.00001; TOPMed 0.00001.
gnomAD v4.1: 29 of 1,613,922 alleles (0.0018%); highest among the groups gnomAD compares: African/African-American, 0.0027%; no homozygotes.

Submission:

Labcorp Genetics (formerly Invitae), Labcorp
Classification: Uncertain significance for Congenital contractural arachnodactyly. Last evaluated: 2026-01-12. Review status: criteria provided, single submitter. Criteria: Invitae Variant Classification Sherloc (09022015). Collection method: clinical testing. Allele origin: germline.
Comment: This sequence change falls in intron 39 of the FBN2 gene. It does not directly change the encoded amino acid sequence of the FBN2 protein. It affects a nucleotide within the consensus splice site. This variant is present in population databases (rs374651068, gnomAD 0.008%). This variant has been observed in individual(s) with thoracic aortic aneurysm (internal data). ClinVar contains an entry for this variant (Variation ID: 1015056). Variants that disrupt the consensus splice site are a relatively common cause of aberrant splicing (PMID: 17576681, 9536098). Algorithms developed to predict the effect of sequence changes on RNA splicing suggest that this variant is not likely to affect RNA splicing. In summary, the available evidence is currently insufficient to determine the role of this variant in disease. Therefore, it has been classified as a Variant of Uncertain Significance.

Literature cited by the submitters: PubMed 17576681; PubMed 9536098.